The following is an entry in ClinVar:

ClinVar aggregate classification (germline): Benign/Likely benign. Review status: criteria provided, multiple submitters, no conflicts (2 of 4 stars). 3 submissions from 3 submitters: Benign (1); Likely benign (2). Last evaluated 2026-06-09.

Conditions:
Tumor predisposition syndrome 2 (TPDS2). Also called: MBD4-Related Tumor Predisposition Syndrome; MBD4-associated neoplasia syndrome (MANS); MBD4-ASSOCIATED NEOPLASIA SYNDROME. Identifiers: Orphanet 661526, MedGen C5774186, MONDO:0859267, OMIM 619975.
Inborn genetic diseases. Identifiers: MedGen C0950123, MeSH D030342.

gnomAD v4.1: 1 of 1,599,556 alleles (0.000063%); highest among the groups gnomAD compares: East Asian, 0.0023%; no homozygotes.

Submissions (3):

Myriad Genetics, Inc.
Classification: Benign for Tumor predisposition syndrome 2. Last evaluated: 2026-06-09. Review status: criteria provided, single submitter. Criteria: Myriad Autosomal Dominant, Autosomal Recessive and X-Linked Classification Criteria (2023). Collection method: clinical testing. Allele origin: unknown.
Comment: This variant is considered benign. This variant is a silent/synonymous amino acid change and it is not expected to impact splicing.

Ambry Genetics
Classification: Likely benign for Inborn genetic diseases. Last evaluated: 2026-05-26. Review status: criteria provided, single submitter. Criteria: Ambry Variant Classification Scheme 2023. Collection method: clinical testing. Allele origin: germline.

Labcorp Genetics (formerly Invitae), Labcorp
Classification: Likely benign. Last evaluated: 2025-07-29. Review status: criteria provided, single submitter. Criteria: Invitae Variant Classification Sherloc (09022015). Collection method: clinical testing. Allele origin: germline.

NM_001276270.2(MBD4):c.81C>T (p.Val27=)

Gene: MBD4 (methyl-CpG binding domain 4, DNA glycosylase; minus strand). Cytogenetic location: 3q21.3.
Variant type: single nucleotide variant.
Coding change: c.81C>T on transcript NM_001276270.2 (MANE Select); coding-DNA position 81, C replaced by T.
Protein change: p.Val27=; no amino-acid change (valine 27 retained).
Molecular consequence: synonymous variant.
Genome position (GRCh38, 1-based): chr3:129,439,753, G>A on the plus strand (C>T on the coding strand, the complement: MBD4 is on the minus strand). VCF-style: chr3-129439753-G-A. GRCh37 (hg19) VCF-style: chr3-129158596-G-A.
Other names: c.81C>T, p.Val27= (NM_001276271.2, NM_001276272.2, NM_001276273.2 and 1 more transcripts).
Identifiers: ClinVar variation 4748419 (VCV004748419.3).